The following is an entry in ClinVar:

ClinVar aggregate classification (germline): Uncertain significance. Review status: criteria provided, multiple submitters, no conflicts (2 of 4 stars). 3 submissions from 3 submitters: Uncertain significance (3). Last evaluated 2026-04-15.

Conditions:
Congenital microvillous atrophy (DIAR2). Also called: Microvillus inclusion disease; MICROVILLUS ATROPHY, CONGENITAL; CONGENITAL FAMILIAL PROTRACTED DIARRHEA WITH ENTEROCYTE BRUSH-BORDER ABNORMALITIES; DAVIDSON DISEASE; Diarrhea 2 with microvillus atrophy, with or without cholestasis. Identifiers: Orphanet 2290, MedGen C0341306, MONDO:0009635, OMIM 251850.
MYO5B-related disorder. Also called: MYO5B-related condition.

Allele frequency attached by ClinVar (database versions not stated): gnomAD 0.00005 and 0.00006; gnomAD exomes 0.00006 and 0.00009; ExAC 0.00007; ESP Exome Variant Server 0.00008; TOPMed 0.00009.
gnomAD v4.1: 145 of 1,614,036 alleles (0.009%); highest among the groups gnomAD compares: Non-Finnish European, 0.011%; no homozygotes.

Submissions (3):

PreventionGenetics, part of Exact Sciences
Classification: Uncertain significance for MYO5B-related condition. Last evaluated: 2026-04-15. Review status: criteria provided, single submitter. Criteria: ACMG Guidelines, 2015. Collection method: clinical testing. Allele origin: germline.
Comment: The MYO5B c.541G>A variant is predicted to result in the amino acid substitution p.Ala181Thr. To our knowledge, this variant has not been reported in the literature. This variant is reported in 0.0097% of alleles in individuals of European (Non-Finnish) descent in gnomAD. At this time, the clinical significance of this variant is uncertain due to the absence of conclusive functional and genetic evidence.

Labcorp Genetics (formerly Invitae), Labcorp
Classification: Uncertain significance. Last evaluated: 2022-07-18. Review status: criteria provided, single submitter. Criteria: Invitae Variant Classification Sherloc (09022015). Collection method: clinical testing. Allele origin: germline.
Comment: This sequence change replaces alanine, which is neutral and non-polar, with threonine, which is neutral and polar, at codon 181 of the MYO5B protein (p.Ala181Thr). This variant is present in population databases (rs377138861, gnomAD 0.01%). This variant has not been reported in the literature in individuals affected with MYO5B-related conditions. ClinVar contains an entry for this variant (Variation ID: 327083). Algorithms developed to predict the effect of missense changes on protein structure and function output the following: SIFT: "Deleterious"; PolyPhen-2: "Benign"; Align-GVGD: "Class C0". The threonine amino acid residue is found in multiple mammalian species, which suggests that this missense change does not adversely affect protein function. In summary, the available evidence is currently insufficient to determine the role of this variant in disease. Therefore, it has been classified as a Variant of Uncertain Significance.

Illumina Laboratory Services, Illumina
Classification: Uncertain significance for Congenital microvillous atrophy. Last evaluated: 2018-01-12. Review status: criteria provided, single submitter. Criteria: ICSL Variant Classification Criteria 13 December 2019. Collection method: clinical testing. Allele origin: germline.

NM_001080467.3(MYO5B):c.541G>A (p.Ala181Thr)

Gene: MYO5B (myosin VB; minus strand). Cytogenetic location: 18q21.1.
Variant type: single nucleotide variant.
Coding change: c.541G>A on transcript NM_001080467.3 (MANE Select); coding-DNA position 541, G replaced by A.
Protein change: p.Ala181Thr; replaces alanine 181 with threonine.
Molecular consequence: missense variant.
Genome position (GRCh38, 1-based): chr18:50,001,326, C>T on the plus strand (G>A on the coding strand, the complement: MYO5B is on the minus strand). VCF-style: chr18-50001326-C-T. GRCh37 (hg19) VCF-style: chr18-47527696-C-T.
Other names: short protein forms A181T.
Identifiers: ClinVar variation 327083 (VCV000327083.8), dbSNP rs377138861, ClinGen allele CA8961859.